The following is an entry in ClinVar:

ClinVar aggregate classification (germline): Conflicting classifications of pathogenicity. Review status: criteria provided, conflicting classifications (1 of 4 stars). 2 submissions from 2 submitters: Uncertain significance (1); Likely benign (1). Last evaluated 2026-08-27.

Conditions:
Primary ciliary dyskinesia. Also called: Ciliary dyskinesia. Identifiers: Orphanet 244, MedGen C0008780, MONDO:0016575, HP:0012265.

gnomAD v4.1: 100 of 1,550,206 alleles (0.0065%); highest among the groups gnomAD compares: South Asian, 0.0083%; no homozygotes.

Submissions (2):

Ambry Genetics
Classification: Uncertain significance for Primary ciliary dyskinesia. Last evaluated: 2026-08-27. Review status: criteria provided, single submitter. Criteria: Ambry Variant Classification Scheme 2023. Collection method: clinical testing. Allele origin: germline.
Comment: The c.487-5C>G intronic variant results from a C to G substitution 5 nucleotides upstream from coding exon 5 in the CCDC114 gene. This nucleotide position is poorly conserved in available vertebrate species. In silico splice site analysis predicts that this alteration will not have any significant effect on splicing. Based on the available evidence, the clinical significance of this variant remains unclear.

Labcorp Genetics (formerly Invitae), Labcorp
Classification: Likely benign for Primary ciliary dyskinesia. Last evaluated: 2025-08-18. Review status: criteria provided, single submitter. Criteria: Invitae Variant Classification Sherloc (09022015). Collection method: clinical testing. Allele origin: germline.

NM_001364171.2(ODAD1):c.598-5C>G

Gene: ODAD1 (outer dynein arm docking complex subunit 1; minus strand). Cytogenetic location: 19q13.33.
Variant type: single nucleotide variant.
Coding change: c.598-5C>G on transcript NM_001364171.2 (MANE Select); 5 bases into the intron before coding-DNA position 598, C replaced by G.
Molecular consequence: intron variant.
Genome position (GRCh38, 1-based): chr19:48,306,328, G>C on the plus strand (C>G on the coding strand, the complement: ODAD1 is on the minus strand). VCF-style: chr19-48306328-G-C. GRCh37 (hg19) VCF-style: chr19-48809585-G-C.
Other names: c.487-5C>G (NM_144577.4).
Identifiers: ClinVar variation 1800137 (VCV001800137.8), dbSNP rs10416590, ClinGen allele CA309306873.